The following is an entry in ClinVar:

NM_001854.4(COL11A1):c.3991G>A (p.Val1331Ile)

Gene: COL11A1 (collagen type XI alpha 1 chain; minus strand). Cytogenetic location: 1p21.1.
Variant type: single nucleotide variant.
Coding change: c.3991G>A on transcript NM_001854.4 (MANE Select); coding-DNA position 3991, G replaced by A.
Protein change: p.Val1331Ile; replaces valine 1331 with isoleucine.
Molecular consequence: missense variant. On other transcripts: non-coding transcript variant (1).
Genome position (GRCh38, 1-based): chr1:102,913,678, C>T on the plus strand (G>A on the coding strand, the complement: COL11A1 is on the minus strand). VCF-style: chr1-102913678-C-T. GRCh37 (hg19) VCF-style: chr1-103379234-C-T.
Other names: c.3874G>A, p.Val1292Ile (NM_001190709.2); c.4027G>A, p.Val1343Ile (NM_080629.3); c.3643G>A, p.Val1215Ile (NM_080630.4); short protein forms V1331I, V1292I, V1343I, V1215I.
Identifiers: ClinVar variation 3682269 (VCV003682269.2).
Genomic context (GRCh38, chr1:102,913,678, plus strand): 5'-AATTAGTGCATTTACTCACCGGTTGACCAGGATCTCCATCTTCACCCTTGTCACCACCAA[C>T]ACCATCTTGACCCTATAAGAGGCAATAAAATATGAAGCAAGATATATCTCAGTATCAATA-3'
Protein context (NP_001845.3, residues 1321-1341): GEPGPAGQDG[Val1331Ile]GGDKGEDGDP

ClinVar aggregate classification (germline): Uncertain significance (1 of 4 stars; one submission).

gnomAD v4.1: 2 of 1,613,434 alleles (0.00012%); highest among the groups gnomAD compares: South Asian, 0.0011%; no homozygotes.

Submission:

Labcorp Genetics (formerly Invitae), Labcorp
Classification: Uncertain significance. Last evaluated: 2024-04-10. Review status: criteria provided, single submitter. Criteria: Invitae Variant Classification Sherloc (09022015). Collection method: clinical testing. Allele origin: germline.
Comment: This sequence change replaces valine, which is neutral and non-polar, with isoleucine, which is neutral and non-polar, at codon 1331 of the COL11A1 protein (p.Val1331Ile). This variant is not present in population databases (gnomAD no frequency). This variant has not been reported in the literature in individuals affected with COL11A1-related conditions. Advanced modeling of protein sequence and biophysical properties (such as structural, functional, and spatial information, amino acid conservation, physicochemical variation, residue mobility, and thermodynamic stability) performed at Invitae indicates that this missense variant is not expected to disrupt COL11A1 protein function with a negative predictive value of 95%. In summary, the available evidence is currently insufficient to determine the role of this variant in disease. Therefore, it has been classified as a Variant of Uncertain Significance.